The following is an entry in ClinVar:

NM_001123385.2(BCOR):c.3386C>T (p.Thr1129Ile)

Gene: BCOR (BCL6 corepressor; minus strand). Cytogenetic location: Xp11.4.
Variant type: single nucleotide variant.
Coding change: c.3386C>T on transcript NM_001123385.2 (MANE Select); coding-DNA position 3386, C replaced by T.
Protein change: p.Thr1129Ile; replaces threonine 1129 with isoleucine.
Molecular consequence: missense variant.
Genome position (GRCh38, 1-based): chrX:40,064,452, G>A on the plus strand (C>T on the coding strand, the complement: BCOR is on the minus strand). VCF-style: chrX-40064452-G-A. GRCh37 (hg19) VCF-style: chrX-39923705-G-A.
Other names: c.3386C>T, p.Thr1129Ile (NM_001123383.2, NM_017745.6); c.3332C>T, p.Thr1111Ile (NM_001123384.2); short protein forms T1111I, T1129I.
Identifiers: ClinVar variation 2152665 (VCV002152665.4), dbSNP rs1935092468, ClinGen allele CA412738980.
Genomic context (GRCh38, chrX:40,064,452, plus strand): 5'-GCAGTGGTCTCAGTGTGGCTGCTGTCACCTGAGACTTTGCGTTTCCTGTCCACCCGGAGG[G>A]TGGGGCTGTGAGGCATGTCCGAGGCCACCTGGTCTGCGGGAGGCTCGCTCACAGGCTGCC-3'
Protein context (NP_001116857.1, residues 1119-1139): QVASDMPHSP[Thr1129Ile]LRVDRKRKVS

ClinVar aggregate classification (germline): Uncertain significance (1 of 4 stars; one submission).

Conditions:
Oculofaciocardiodental syndrome (MCOPS2). Identifiers: Orphanet 2712, MedGen C1846265, MONDO:0010261, OMIM 300166.

Allele frequency attached by ClinVar (database versions not stated): gnomAD exomes below 0.00001.
gnomAD v4.1: 1 of 1,212,500 alleles (0.000082%); highest among the groups gnomAD compares: Non-Finnish European, 0.00011%; no homozygotes.

Submission:

Labcorp Genetics (formerly Invitae), Labcorp
Classification: Uncertain significance for Oculofaciocardiodental syndrome. Last evaluated: 2021-12-18. Review status: criteria provided, single submitter. Criteria: Invitae Variant Classification Sherloc (09022015). Collection method: clinical testing. Allele origin: germline.
Comment: This sequence change replaces threonine, which is neutral and polar, with isoleucine, which is neutral and non-polar, at codon 1129 of the BCOR protein (p.Thr1129Ile). This variant is not present in population databases (gnomAD no frequency). This variant has not been reported in the literature in individuals affected with BCOR-related conditions. Algorithms developed to predict the effect of missense changes on protein structure and function are either unavailable or do not agree on the potential impact of this missense change (SIFT: "Deleterious"; PolyPhen-2: "Benign"; Align-GVGD: "Class C15"). In summary, the available evidence is currently insufficient to determine the role of this variant in disease. Therefore, it has been classified as a Variant of Uncertain Significance.